The following is an entry in ClinVar:

NM_182914.3(SYNE2):c.7762G>A (p.Val2588Met)

Gene: SYNE2 (spectrin repeat containing nuclear envelope protein 2; plus strand). Cytogenetic location: 14q23.2.
Variant type: single nucleotide variant.
Coding change: c.7762G>A on transcript NM_182914.3 (MANE Select); coding-DNA position 7762, G replaced by A.
Protein change: p.Val2588Met; replaces valine 2588 with methionine.
Molecular consequence: missense variant.
Genome position (GRCh38, 1-based): chr14:64,051,675, G>A. VCF-style: chr14-64051675-G-A. GRCh37 (hg19) VCF-style: chr14-64518393-G-A.
Other names: c.7762G>A, p.Val2588Met (NM_015180.6); short protein forms V2588M.
Identifiers: ClinVar variation 376965 (VCV000376965.19), dbSNP rs373690979, ClinGen allele CA7221014.
Genomic context (GRCh38, chr14:64,051,675, plus strand): 5'-GAAAAAGAGAAAGATTCTTTAGGCAACTTGAAAATCAAATGGGAGAATTTATCAAACCAC[G>A]TGACTGACATGGATAAGAAATTGTTGGAAAGCCAGATTAAGCAACTTGAACATGGTTGGG-3'
Protein context (NP_878918.2, residues 2578-2598): KIKWENLSNH[Val2588Met]TDMDKKLLES

ClinVar aggregate classification (germline): Conflicting classifications of pathogenicity. Review status: criteria provided, conflicting classifications (1 of 4 stars). 6 submissions from 6 submitters: Uncertain significance (4); Benign (1); Likely benign (1). Last evaluated 2026-02-01.

Conditions:
Emery-Dreifuss muscular dystrophy 5, autosomal dominant (EDMD5). Also called: EMERY-DREIFUSS MUSCULAR DYSTROPHY 5. Identifiers: Orphanet 261, MedGen C2751805, MONDO:0013072, OMIM 612999.

Allele frequency attached by ClinVar (database versions not stated): ExAC 0.00010; gnomAD exomes 0.00013 and 0.00021; TOPMed 0.00013; gnomAD 0.00015 and 0.00016; ESP Exome Variant Server 0.00017.
gnomAD v4.1: 315 of 1,614,068 alleles (0.02%); highest among the groups gnomAD compares: Admixed American, 0.027%; no homozygotes.

Submissions (6):

Labcorp Genetics (formerly Invitae), Labcorp
Classification: Uncertain significance for Emery-Dreifuss muscular dystrophy 5, autosomal dominant. Last evaluated: 2026-02-01. Review status: criteria provided, single submitter. Criteria: Invitae Variant Classification Sherloc (09022015). Collection method: clinical testing. Allele origin: germline.
Comment: This sequence change replaces valine, which is neutral and non-polar, with methionine, which is neutral and non-polar, at codon 2588 of the SYNE2 protein (p.Val2588Met). This variant is present in population databases (rs373690979, gnomAD 0.03%), and has an allele count higher than expected for a pathogenic variant. This variant has not been reported in the literature in individuals affected with SYNE2-related conditions. ClinVar contains an entry for this variant (Variation ID: 376965). An algorithm developed to predict the effect of missense changes on protein structure and function (PolyPhen-2) suggests that this variant is likely to be tolerated. In summary, the available evidence is currently insufficient to determine the role of this variant in disease. Therefore, it has been classified as a Variant of Uncertain Significance.

Ambry Genetics
Classification: Uncertain significance. Last evaluated: 2023-12-26. Review status: criteria provided, single submitter. Criteria: Ambry Variant Classification Scheme 2023. Collection method: clinical testing. Allele origin: germline.

Department of Pathology and Laboratory Medicine, Sinai Health System
Classification: Likely benign for Emery-Dreifuss muscular dystrophy 5, autosomal dominant. Last evaluated: 2021-07-30. Review status: criteria provided, single submitter. Criteria: ACMG Guidelines, 2015. Collection method: research. Allele origin: germline.

Revvity Omics, Revvity
Classification: Uncertain significance for Emery-Dreifuss muscular dystrophy 5, autosomal dominant. Last evaluated: 2020-02-19. Review status: criteria provided, single submitter. Criteria: ACMG Guidelines, 2015. Collection method: clinical testing. Allele origin: germline.

Illumina Laboratory Services, Illumina
Classification: Benign for Emery-Dreifuss muscular dystrophy 5, autosomal dominant. Last evaluated: 2018-01-12. Review status: criteria provided, single submitter. Criteria: ICSL Variant Classification Criteria 13 December 2019. Collection method: clinical testing. Allele origin: germline.
Comment: This variant was observed in the ICSL laboratory as part of a predisposition screen in an ostensibly healthy population. It had not been previously curated by ICSL or reported in the Human Gene Mutation Database (HGMD: prior to June 1st, 2018), and was therefore a candidate for classification through an automated scoring system. Utilizing variant allele frequency, disease prevalence and penetrance estimates, and inheritance mode, an automated score was calculated to assess if this variant is too frequent to cause the disease. Based on the score and internal cut-off values, a variant classified as benign is not then subjected to further curation. The score for this variant resulted in a classification of benign for this disease.

Center for Pediatric Genomic Medicine, Children's Mercy Hospital and Clinics
Classification: Uncertain significance. Last evaluated: 2016-11-08. Review status: criteria provided, single submitter. Criteria: ACMG Guidelines, 2015. Collection method: clinical testing. Allele origin: germline.
ClinVar note: Converted during submission from Uncertain Significance to Uncertain significance.